The following is an entry in ClinVar:

NM_001366285.2(TBXT):c.466G>T (p.Gly156Cys)

Gene: TBXT (T-box transcription factor T; minus strand). Cytogenetic location: 6q27.
Variant type: single nucleotide variant.
Coding change: c.466G>T on transcript NM_001366285.2 (MANE Select); coding-DNA position 466, G replaced by T.
Protein change: p.Gly156Cys; replaces glycine 156 with cysteine.
Molecular consequence: missense variant.
Genome position (GRCh38, 1-based): chr6:166,166,597, C>A on the plus strand (G>T on the coding strand, the complement: TBXT is on the minus strand). VCF-style: chr6-166166597-C-A. GRCh37 (hg19) VCF-style: chr6-166580085-C-A.
Other names: c.466G>T, p.Gly156Cys (NM_001270484.2, NM_001366286.2, NM_003181.4); short protein forms G156C.
Identifiers: ClinVar variation 1030636 (VCV001030636.1), dbSNP rs1779123176, ClinGen allele CA366392796.

ClinVar aggregate classification (germline): Uncertain significance (1 of 4 stars; one submission).

Conditions:
Sacral agenesis-abnormal ossification of the vertebral bodies-persistent notochordal canal syndrome. Also called: Sacral agenesis with vertebral anomalies. Identifiers: Orphanet 397927, MedGen C3810343, MONDO:0014314, OMIM 615709.

Submission:

Baylor Genetics
Classification: Uncertain significance for Sacral agenesis-abnormal ossification of the vertebral bodies-persistent notochordal canal syndrome. Last evaluated: 2020-02-06. Review status: criteria provided, single submitter. Criteria: ACMG Guidelines, 2015. Collection method: clinical testing. Allele origin: unknown. Affected: yes.
Comment: This variant was determined to be of uncertain significance according to ACMG Guidelines, 2015 [PMID:25741868].